The following is an entry in ClinVar:

ClinVar aggregate classification (germline): Uncertain significance (1 of 4 stars; one submission).

Submission:

Ambry Genetics
Classification: Uncertain significance. Last evaluated: 2023-07-15. Review status: criteria provided, single submitter. Criteria: Ambry Variant Classification Scheme 2023. Collection method: clinical testing. Allele origin: germline.
Comment: The p.S841L variant (also known as c.2522C>T), located in coding exon 22 of the PRKDC gene, results from a C to T substitution at nucleotide position 2522. The serine at codon 841 is replaced by leucine, an amino acid with dissimilar properties. This amino acid position is conserved. In addition, this alteration is predicted to be tolerated by in silico analysis. Since supporting evidence is limited at this time, the clinical significance of this alteration remains unclear.

NM_006904.7(PRKDC):c.2522C>T (p.Ser841Leu)

Gene: PRKDC (protein kinase, DNA-activated, catalytic subunit; minus strand). Cytogenetic location: 8q11.21.
Variant type: single nucleotide variant.
Coding change: c.2522C>T on transcript NM_006904.7 (MANE Select); coding-DNA position 2522, C replaced by T.
Protein change: p.Ser841Leu; replaces serine 841 with leucine.
Molecular consequence: missense variant.
Genome position (GRCh38, 1-based): chr8:47,918,281, G>A on the plus strand (C>T on the coding strand, the complement: PRKDC is on the minus strand). VCF-style: chr8-47918281-G-A. GRCh37 (hg19) VCF-style: chr8-48830841-G-A.
Other names: c.2522C>T, p.Ser841Leu (NM_001081640.2); short protein forms S841L.
Identifiers: ClinVar variation 2586643 (VCV002586643.2), dbSNP rs2551877334, ClinGen allele CA371160294.